The following is an entry in ClinVar:

NM_006904.7(PRKDC):c.2852G>A (p.Gly951Glu)

Gene: PRKDC (protein kinase, DNA-activated, catalytic subunit; minus strand). Cytogenetic location: 8q11.21.
Variant type: single nucleotide variant.
Coding change: c.2852G>A on transcript NM_006904.7 (MANE Select); coding-DNA position 2852, G replaced by A.
Protein change: p.Gly951Glu; replaces glycine 951 with glutamic acid.
Molecular consequence: missense variant.
Genome position (GRCh38, 1-based): chr8:47,912,492, C>T on the plus strand (G>A on the coding strand, the complement: PRKDC is on the minus strand). VCF-style: chr8-47912492-C-T. GRCh37 (hg19) VCF-style: chr8-48825052-C-T.
Other names: c.2852G>A, p.Gly951Glu (NM_001081640.2); short protein forms G951E.
Identifiers: ClinVar variation 1796853 (VCV001796853.2), dbSNP rs1282565322, ClinGen allele CA371158825.

ClinVar aggregate classification (germline): Uncertain significance (1 of 4 stars; one submission).

gnomAD v4.1: 1 of 1,612,616 alleles (0.000062%); highest among the groups gnomAD compares: Non-Finnish European, 0.000085%; no homozygotes.

Submission:

Ambry Genetics
Classification: Uncertain significance. Last evaluated: 2022-09-11. Review status: criteria provided, single submitter. Criteria: Ambry Variant Classification Scheme 2023. Collection method: clinical testing. Allele origin: germline.
Comment: The p.G951E variant (also known as c.2852G>A), located in coding exon 25 of the PRKDC gene, results from a G to A substitution at nucleotide position 2852. The glycine at codon 951 is replaced by glutamic acid, an amino acid with similar properties. This amino acid position is conserved. In addition, this alteration is predicted to be tolerated by in silico analysis. Since supporting evidence is limited at this time, the clinical significance of this alteration remains unclear.